The following is an entry in ClinVar:

ClinVar aggregate classification (germline): Uncertain significance (1 of 4 stars; one submission).

Conditions:
Paget disease of bone 2, early-onset (PDB2). Also called: Paget disease of bone 2. Identifiers: MedGen C4085251, MONDO:0011183, OMIM 602080.
Frontotemporal dementia and/or amyotrophic lateral sclerosis 1 (FTDALS1). Also called: Frontotemporal dementia with motor neuron disease 1; C9orf72 Frontotemporal Dementia and/or Amyotrophic Lateral Sclerosis. Identifiers: Orphanet 275872, MedGen C5779877, MONDO:0007105, OMIM 105550.

gnomAD v4.1: 1 of 1,614,232 alleles (0.000062%); highest among the groups gnomAD compares: Non-Finnish European, 0.000085%; no homozygotes.

Submission:

Labcorp Genetics (formerly Invitae), Labcorp
Classification: Uncertain significance for Paget disease of bone 2, early-onset; Frontotemporal dementia and/or amyotrophic lateral sclerosis 1. Last evaluated: 2021-11-02. Review status: criteria provided, single submitter. Criteria: Invitae Variant Classification Sherloc (09022015). Collection method: clinical testing. Allele origin: germline.
Comment: This variant has not been reported in the literature in individuals affected with SQSTM1-related conditions. This sequence change replaces serine, which is neutral and polar, with glycine, which is neutral and non-polar, at codon 277 of the SQSTM1 protein (p.Ser277Gly). This variant is not present in population databases (gnomAD no frequency). Algorithms developed to predict the effect of missense changes on protein structure and function output the following: SIFT: "Tolerated"; PolyPhen-2: "Benign"; Align-GVGD: "Class C0". The glycine amino acid residue is found in multiple mammalian species, which suggests that this missense change does not adversely affect protein function. In summary, the available evidence is currently insufficient to determine the role of this variant in disease. Therefore, it has been classified as a Variant of Uncertain Significance.

NM_003900.5(SQSTM1):c.829A>G (p.Ser277Gly)

Gene: SQSTM1 (sequestosome 1; plus strand). Cytogenetic location: 5q35.3.
Variant type: single nucleotide variant.
Coding change: c.829A>G on transcript NM_003900.5 (MANE Select); coding-DNA position 829, A replaced by G.
Protein change: p.Ser277Gly; replaces serine 277 with glycine.
Molecular consequence: missense variant.
Genome position (GRCh38, 1-based): chr5:179,833,106, A>G. VCF-style: chr5-179833106-A-G. GRCh37 (hg19) VCF-style: chr5-179260106-A-G.
Other names: c.577A>G, p.Ser193Gly (NM_001142298.2, NM_001142299.2); short protein forms S193G, S277G.
Identifiers: ClinVar variation 1484744 (VCV001484744.6), dbSNP rs2113510695, ClinGen allele CA362451236.